The following is an entry in ClinVar:

NM_007194.4(CHEK2):c.1312dup (p.Asp438fs)

Gene: CHEK2 (checkpoint kinase 2; minus strand). Cytogenetic location: 22q12.1.
Variant type: Duplication.
Coding change: c.1312dup on transcript NM_007194.4 (MANE Select); coding-DNA position 1312, one base duplicated (G; older notation c.1312dupG).
Protein change: p.Asp438fs; shifts the reading frame from aspartic acid 438.
Molecular consequence: frameshift variant.
Genome position (GRCh38, 1-based): chr22:28,695,190, C duplicated on the plus strand (G on the coding strand, the reverse complement: CHEK2 is on the minus strand); the first of 2 consecutive C bases (chr22:28,695,190-28,695,191); duplicating either gives the same sequence. VCF-style (leftmost placement, unchanged base first): chr22-28695189-T-TC. GRCh37 (hg19) VCF-style: chr22-29091177-T-TC.
Other names: c.1440dup, p.Asp481Glyfs (NM_001005735.3); c.648dup, p.Asp217Glyfs (NM_001257387.3); c.1110dup, p.Asp371Glyfs (NM_001349956.3); c.1224dup, p.Asp409Glyfs (NM_145862.3); short protein forms D438fs, D371fs, D409fs, D217fs, D481fs.
Identifiers: ClinVar variation 2771875 (VCV002771875.3), dbSNP rs2517796969, ClinGen allele CA2697552637.

ClinVar aggregate classification (germline): Pathogenic (1 of 4 stars; one submission).

Conditions:
Familial cancer of breast. Also called: hereditary breast carcinoma; BREAST CANCER, FAMILIAL; Hereditary breast cancer. Identifiers: Orphanet 227535, MedGen C0346153, MONDO:0016419, OMIM 114480. Disease mechanism: loss of function.

Submission:

Labcorp Genetics (formerly Invitae), Labcorp
Classification: Pathogenic for Familial cancer of breast. Last evaluated: 2023-10-26. Review status: criteria provided, single submitter. Criteria: Invitae Variant Classification Sherloc (09022015). Collection method: clinical testing. Allele origin: germline.
Comment: This sequence change creates a premature translational stop signal (p.Asp438Glyfs*13) in the CHEK2 gene. It is expected to result in an absent or disrupted protein product. Loss-of-function variants in CHEK2 are known to be pathogenic (PMID: 21876083, 24713400). This variant is not present in population databases (gnomAD no frequency). This variant has not been reported in the literature in individuals affected with CHEK2-related conditions. Algorithms developed to predict the effect of sequence changes on RNA splicing suggest that this variant may disrupt the consensus splice site. For these reasons, this variant has been classified as Pathogenic.

Literature cited by the submitters: PubMed 21876083; PubMed 24713400.